The following is an entry in ClinVar:

ClinVar aggregate classification (germline): Benign. Review status: criteria provided, multiple submitters, no conflicts (2 of 4 stars). 7 submissions from 7 submitters: Benign (7). Last evaluated 2026-02-04.

Conditions:
Congenital contractural arachnodactyly (CCA). Also called: Beals-Hecht syndrome; Arthrogryposis, distal, type 9; BEALS SYNDROME. Identifiers: Orphanet 115, MedGen C0220668, MONDO:0007363, OMIM 121050.

Allele frequency attached by ClinVar (database versions not stated): ESP Exome Variant Server 0.12631; TOPMed 0.13742; gnomAD 0.14023 and 0.14320; 1000 Genomes Project 0.14417; 1000 Genomes Project 30x 0.14710; gnomAD exomes 0.16085 and 0.17866; ExAC 0.19683.
gnomAD v4.1: 234,010 of 1,475,690 alleles (16%); highest among the groups gnomAD compares: Admixed American, 27%; 20,301 homozygotes.

Submissions (7):

Labcorp Genetics (formerly Invitae), Labcorp
Classification: Benign for Congenital contractural arachnodactyly. Last evaluated: 2026-02-04. Review status: criteria provided, single submitter. Criteria: Invitae Variant Classification Sherloc (09022015). Collection method: clinical testing. Allele origin: germline.

Blueprint Genetics
Classification: Benign. Last evaluated: 2024-11-26. Review status: criteria provided, single submitter. Criteria: ACMG Guidelines, 2015. Collection method: clinical testing. Allele origin: germline.

Illumina Laboratory Services, Illumina
Classification: Benign for Congenital contractural arachnodactyly. Last evaluated: 2018-01-12. Review status: criteria provided, single submitter. Criteria: ICSL Variant Classification Criteria 13 December 2019. Collection method: clinical testing. Allele origin: germline.
Comment: This variant was observed in the ICSL laboratory as part of a predisposition screen in an ostensibly healthy population. It had not been previously curated by ICSL or reported in the Human Gene Mutation Database (HGMD: prior to June 1st, 2018), and was therefore a candidate for classification through an automated scoring system. Utilizing variant allele frequency, disease prevalence and penetrance estimates, and inheritance mode, an automated score was calculated to assess if this variant is too frequent to cause the disease. Based on the score and internal cut-off values, a variant classified as benign is not then subjected to further curation. The score for this variant resulted in a classification of benign for this disease.

Women's Health and Genetics/Laboratory Corporation of America, LabCorp
Classification: Benign. Last evaluated: 2017-03-22. Review status: criteria provided, single submitter. Criteria: LabCorp Variant Classification Summary - May 2015. Collection method: clinical testing. Allele origin: germline.
Comment: Variant summary: The FBN2 c.6511+15A>G variant involves the alteration of a non-conserved intronic nucleotide. One in silico tool predicts a benign outcome for this variant. 5/5 splice prediction tools predict no significant impact on normal splicing. However, these predictions have yet to be confirmed by functional studies. The variant of interest has been observed in a large, broad control population, ExAC, in 20207/102662 control chromosomes (2001 homozygotes) at a frequency of 0.1968, which is approximately 157463 times the estimated maximal expected allele frequency of a pathogenic FBN2 variant (0.0000013), suggesting this variant is likely a benign polymorphism. In addition, multiple clinical diagnostic laboratories/reputable databases classified this variant as benign. Taken together, this variant is classified as benign.

Laboratory for Molecular Medicine, Mass General Brigham Personalized Medicine
Classification: Benign. Last evaluated: 2013-04-04. Review status: criteria provided, single submitter. Criteria: LMM Criteria. Collection method: clinical testing. Allele origin: germline. Observed: 6 variant alleles.
Comment: 6511+15A>G in intron 51 of FBN2: This variant is not expected to have clinical s ignificance because it is not located within the conserved splice consensus sequ ence. It has been identified in 16.1% (1383/8594) of European American chromosom es from a broad population by the NHLBI Exome Sequencing Project (.; dbSNP rs56131649).

GeneDx
Classification: Benign. Last evaluated: 2012-10-31. Review status: criteria provided, single submitter. Criteria: GeneDx Variant Classification (06012015). Collection method: clinical testing. Allele origin: germline. Affected: yes.
Comment: This variant is considered likely benign or benign based on one or more of the following criteria: it is a conservative change, it occurs at a poorly conserved position in the protein, it is predicted to be benign by multiple in silico algorithms, and/or has population frequency not consistent with disease.

PreventionGenetics, part of Exact Sciences
Classification: Benign. Review status: criteria provided, single submitter. Criteria: ACMG Guidelines, 2015. Collection method: clinical testing. Allele origin: germline.

Literature cited by the submitters: PubMed 17345643 (cited by Women's Health and Genetics/Laboratory Corporation of America, LabCorp).

NM_001999.4(FBN2):c.6511+15A>G

Gene: FBN2 (fibrillin 2; minus strand). Cytogenetic location: 5q23.3.
Variant type: single nucleotide variant.
Coding change: c.6511+15A>G on transcript NM_001999.4 (MANE Select); 15 bases into the intron after coding-DNA position 6511, A replaced by G.
Molecular consequence: intron variant.
Genome position (GRCh38, 1-based): chr5:128,289,867, T>C on the plus strand (A>G on the coding strand, the complement: FBN2 is on the minus strand). VCF-style: chr5-128289867-T-C. GRCh37 (hg19) VCF-style: chr5-127625559-T-C.
Identifiers: ClinVar variation 137345 (VCV000137345.17), dbSNP rs56131649, ClinGen allele CA290887.